The following is an entry in ClinVar:

NM_012200.4(B3GAT3):c.601C>T (p.Arg201Trp)

Gene: B3GAT3 (beta-1,3-glucuronyltransferase 3; minus strand). Cytogenetic location: 11q12.3.
Variant type: single nucleotide variant.
Coding change: c.601C>T on transcript NM_012200.4 (MANE Select); coding-DNA position 601, C replaced by T.
Protein change: p.Arg201Trp; replaces arginine 201 with tryptophan.
Molecular consequence: missense variant. On other transcripts: non-coding transcript variant (1).
Genome position (GRCh38, 1-based): chr11:62,617,004, G>A on the plus strand (C>T on the coding strand, the complement: B3GAT3 is on the minus strand). VCF-style: chr11-62617004-G-A. GRCh37 (hg19) VCF-style: chr11-62384476-G-A.
Other names: c.580C>T, p.Arg194Trp (NM_001288721.2); c.601C>T, p.Arg201Trp (NM_001288722.2, NM_001288723.2); short protein forms R194W, R201W.
Identifiers: ClinVar variation 2187002 (VCV002187002.3), dbSNP rs201166537, ClinGen allele CA6050083.

ClinVar aggregate classification (germline): Uncertain significance (1 of 4 stars; one submission).

Conditions:
Larsen-like syndrome, B3GAT3 type. Also called: MULTIPLE JOINT DISLOCATIONS, SHORT STATURE, AND CRANIOFACIAL DYSMORPHISM WITH OR WITHOUT CONGENITAL HEART DEFECTS; Multiple joint dislocations, short stature, craniofacial dysmorphism, with or without congenital heart defects. Identifiers: Orphanet 284139, MedGen CN034159, MONDO:0009511, OMIM 245600.

Allele frequency attached by ClinVar (database versions not stated): ExAC 0.00001; gnomAD 0.00001; 1000 Genomes Project 30x 0.00016; 1000 Genomes Project 0.00020.
gnomAD v4.1: 31 of 1,614,168 alleles (0.0019%); highest among the groups gnomAD compares: East Asian, 0.0089%; no homozygotes.

Submission:

Labcorp Genetics (formerly Invitae), Labcorp
Classification: Uncertain significance for Larsen-like syndrome, B3GAT3 type. Last evaluated: 2024-11-20. Review status: criteria provided, single submitter. Criteria: Invitae Variant Classification Sherloc (09022015). Collection method: clinical testing. Allele origin: germline.
Comment: This sequence change replaces arginine, which is basic and polar, with tryptophan, which is neutral and slightly polar, at codon 201 of the B3GAT3 protein (p.Arg201Trp). This variant is present in population databases (rs201166537, gnomAD 0.01%). This variant has not been reported in the literature in individuals affected with B3GAT3-related conditions. ClinVar contains an entry for this variant (Variation ID: 2187002). Invitae Evidence Modeling of protein sequence and biophysical properties (such as structural, functional, and spatial information, amino acid conservation, physicochemical variation, residue mobility, and thermodynamic stability) indicates that this missense variant is not expected to disrupt B3GAT3 protein function with a negative predictive value of 80%. In summary, the available evidence is currently insufficient to determine the role of this variant in disease. Therefore, it has been classified as a Variant of Uncertain Significance.